The following is an entry in ClinVar:

NM_003119.4(SPG7):c.1715C>T (p.Ala572Val)

Gene: SPG7 (SPG7 matrix AAA peptidase subunit, paraplegin; plus strand). Cytogenetic location: 16q24.3.
Variant type: single nucleotide variant.
Coding change: c.1715C>T on transcript NM_003119.4 (MANE Select); coding-DNA position 1715, C replaced by T.
Protein change: p.Ala572Val; replaces alanine 572 with valine.
Molecular consequence: missense variant.
Genome position (GRCh38, 1-based): chr16:89,550,545, C>T. VCF-style: chr16-89550545-C-T. GRCh37 (hg19) VCF-style: chr16-89616953-C-T.
Other names: p.Ala572Val; c.1715C>T, p.Ala572Val (NM_001363850.1); short protein forms A572V.
Identifiers: ClinVar variation 217269 (VCV000217269.72), dbSNP rs72547551, ClinGen allele CA8244370.

ClinVar aggregate classification (germline): Pathogenic. Review status: criteria provided, multiple submitters, no conflicts (2 of 4 stars). 16 submissions from 16 submitters: Pathogenic (16). Last evaluated 2026-02-18.

Conditions:
Inborn genetic diseases. Identifiers: MedGen C0950123, MeSH D030342.
Hereditary spastic paraplegia 7 (SPG7). Also called: SPG7-related neurologic disorder; Spastic paraplegia 7; Hereditary spastic paraplegia Paraplegin type; Autosomal recessive spastic paraplegia type 7; SPASTIC PARAPLEGIA 7, AUTOSOMAL RECESSIVE, WITH OR WITHOUT CEREBELLAR ATAXIA. Identifiers: Orphanet 99013, MedGen C1846564, MONDO:0011803, OMIM 607259.
SPG7-related disorder. Also called: SPG7-related condition.
Hereditary spastic paraplegia. Also called: Familial spastic paraparesis. Identifiers: Orphanet 685, MedGen C0037773, MONDO:0019064. Disease mechanism: loss of function.

Allele frequency attached by ClinVar (database versions not stated): ExAC 0.00001; gnomAD exomes 0.00004; gnomAD 0.00015; 1000 Genomes Project 30x 0.00016; 1000 Genomes Project 0.00020; TOPMed 0.00028.

Submissions 1 to 10 of 16:

PreventionGenetics, part of Exact Sciences
Classification: Pathogenic for SPG7-related condition. Last evaluated: 2026-02-18. Review status: criteria provided, single submitter. Criteria: ACMG Guidelines, 2015. Collection method: clinical testing. Allele origin: germline.
Comment: The SPG7 c.1715C>T variant is predicted to result in the amino acid substitution p.Ala572Val. This variant has been reported in the homozygous and compound heterozygous states in multiple individuals with spastic paraplegia or ataxia (see for example, Table 3, Wilkinson et al. 2004. PubMed ID: 14985266; Table 1, Pfeffer et al. 2015. PubMed ID: 25681447; Table S1, Vural et al. 2021. PubMed ID: 33624863). This variant is reported in 0.0056% of alleles in individuals of Latino descent in gnomAD. This variant is interpreted as pathogenic.

GeneDx
Classification: Pathogenic. Last evaluated: 2025-12-17. Review status: criteria provided, single submitter. Criteria: GeneDx Variant Classification Process June 2021. Collection method: clinical testing. Allele origin: germline. Affected: yes.
Comment: In silico analysis supports that this missense variant has a deleterious effect on protein structure/function; This variant is associated with the following publications: (PMID: 14985266, 23065789, 25681447, 26626314, 22571692, 25497598, Campins-Romeu2021[Case Report], 29246610, Haj Saleem2021[Case report], 29482223, 30533525, 32816195, 33059505, 34405107, 33624863, 37090936)

Labcorp Genetics (formerly Invitae), Labcorp
Classification: Pathogenic for Hereditary spastic paraplegia 7. Last evaluated: 2025-10-13. Review status: criteria provided, single submitter. Criteria: Invitae Variant Classification Sherloc (09022015). Collection method: clinical testing. Allele origin: germline.
Comment: This sequence change replaces alanine, which is neutral and non-polar, with valine, which is neutral and non-polar, at codon 572 of the SPG7 protein (p.Ala572Val). This variant is present in population databases (rs72547551, gnomAD 0.005%). This missense change has been observed in individuals with autosomal recessive hereditary spastic paraplegia (PMID: 14985266, 23065789, 25681447, 26626314). It has also been observed to segregate with disease in related individuals. ClinVar contains an entry for this variant (Variation ID: 217269). Invitae Evidence Modeling of protein sequence and biophysical properties (such as structural, functional, and spatial information, amino acid conservation, physicochemical variation, residue mobility, and thermodynamic stability) indicates that this missense variant is not expected to disrupt SPG7 protein function with a negative predictive value of 80%. For these reasons, this variant has been classified as Pathogenic.

Institute of Medical Genetics and Applied Genomics, University Hospital Tübingen
Classification: Pathogenic for Hereditary spastic paraplegia 7. Last evaluated: 2025-07-15. Review status: criteria provided, single submitter. Criteria: ACMG Guidelines, 2015. Collection method: clinical testing. Allele origin: germline. Inheritance: Autosomal recessive inheritance. Affected: yes.

Mayo Clinic Laboratories, Mayo Clinic
Classification: Pathogenic. Last evaluated: 2025-07-11. Review status: criteria provided, single submitter. Criteria: ACMG Guidelines, 2015. Collection method: clinical testing. Allele origin: germline. Observed: 2 variant alleles.
Comment: PP1_moderate, PP3_moderate, PM3_very_strong, PS4_moderate

Ambry Genetics
Classification: Pathogenic for Inborn genetic diseases. Last evaluated: 2025-01-31. Review status: criteria provided, single submitter. Criteria: Ambry Variant Classification Scheme 2023. Collection method: clinical testing. Allele origin: germline.
Comment: The c.1715C>T (p.A572V) alteration is located in exon 13 (coding exon 13) of the SPG7 gene. This alteration results from a C to T substitution at nucleotide position 1715, causing the alanine (A) at amino acid position 572 to be replaced by a valine (V). Based on data from gnomAD, the T allele has an overall frequency of 0.004% (10/282716) total alleles studied. The highest observed frequency was 0.006% (2/35440) of Admixed American alleles. This variant has been identified in the homozygous and compound heterozygous states in individuals with features consistent with SPG7-related spastic paraplegia; in at least one instance, the variants were identified in trans (Klebe, 2012; Pfeffer, 2015; Pyle, 2015; Choquet, 2016; Hewamadduma, 2018; Bogdanova-Mihaylova, 2021; Campins-Romeu, 2021; Vural, 2021; Monfrini, 2023). This amino acid position is highly conserved in available vertebrate species. This alteration is predicted to be deleterious by in silico analysis. Based on the available evidence, this alteration is classified as pathogenic.

Fulgent Genetics
Classification: Pathogenic for Hereditary spastic paraplegia 7. Last evaluated: 2024-05-29. Review status: criteria provided, single submitter. Criteria: ACMG Guidelines, 2015. Collection method: clinical testing. Allele origin: germline.

Women's Health and Genetics/Laboratory Corporation of America, LabCorp
Classification: Pathogenic for Hereditary spastic paraplegia 7. Last evaluated: 2023-10-26. Review status: criteria provided, single submitter. Criteria: LabCorp Variant Classification Summary - May 2015. Collection method: clinical testing. Allele origin: germline.
Comment: Variant summary: SPG7 c.1715C>T (p.Ala572Val) results in a non-conservative amino acid change in the encoded protein sequence. Four of four in-silico tools predict a damaging effect of the variant on protein function. The variant allele was found at a frequency of 3.6e-05 in 251306 control chromosomes. c.1715C>T has been reported in the literature as biallelic homozygous or compound heterozygous genotypes in multiple individuals affected with Hereditary Spastic Paraplegia 7 (example, Vural_2021, Burguez_2017). These data indicate that the variant is very likely to be associated with disease. To our knowledge, no experimental evidence demonstrating an impact on protein function has been reported. Eight submitters have cited clinical-significance assessments for this variant to ClinVar after 2014. All submitters classified the variant as pathogenic/likely pathogenic. Based on the evidence outlined above, the variant was classified as pathogenic.

Victorian Clinical Genetics Services, Murdoch Childrens Research Institute
Classification: Pathogenic for Hereditary spastic paraplegia 7. Last evaluated: 2023-07-16. Review status: criteria provided, single submitter. Criteria: ACMG Guidelines, 2015. Collection method: clinical testing. Allele origin: germline. Inheritance: Autosomal recessive inheritance. Affected: yes.
Comment: Based on the classification scheme VCGS_Germline_v1.3.4, this variant is classified as Pathogenic. Following criteria are met: 0102 - Loss of function is a known mechanism of disease in this gene and is associated with spastic paraplegia 7 (MIM#607259) and optical atrophy (MONDO#0003608). (I) 0108 - This gene is associated with both recessive and dominant disease. This gene is associated with autosomal recessive spastic paraplegia 7 and autosomal dominant optical atrophy (PMIDs: 31854126, 32548275). (I) 0200 - Variant is predicted to result in a missense amino acid change from alanine to valine. (I) 0251 - This variant is heterozygous. (I) 0304 - Variant is present in gnomAD <0.01 for a recessive condition (v3: 21 heterozygotes, 1 homozygote). (SP) 0501 - Missense variant consistently predicted to be damaging by multiple in silico tools or highly conserved with a major amino acid change. (SP) 0600 - Variant is located in the annotated Peptidase family M41 domain (DICPHER). (I) 0801 - This variant has very strong previous evidence of pathogenicity in unrelated individuals. This variant has been reported multiple times as pathogenic by clinical diagnostic laboratories and has also been identified as compound heterozygous in individuals with ataxia, cerebellar ataxia or hereditary spastic paraplegia (ClinVar, PMIDs: 26626314, 25681447, 29246610). (SP) 1208 - Inheritance information for this variant is not currently available in this individual. (I) Legend: (SP) - Supporting pathogenic, (I) - Information, (SB) - Supporting benign

3billion
Classification: Pathogenic for Hereditary spastic paraplegia 7. Last evaluated: 2022-09-01. Review status: criteria provided, single submitter. Criteria: ACMG Guidelines, 2015. Collection method: clinical testing. Allele origin: germline. Affected: yes. Observed: 1 heterozygote.
Comment: The variant is observed at an extremely low frequency in the gnomAD v2.1.1 dataset (total allele frequency: 0.004%). In silico tool predictions suggest damaging effect of the variant on gene or gene product (REVEL: 0.83; 3Cnet: 0.97). Same nucleotide change resulting in same amino acid change has been previously reported as pathogenic/likely pathogenic with strong evidence (ClinVar ID: VCV000217269). The variant has been reported to be in trans with a pathogenic variant as either compound heterozygous or homozygous in at least 2 similarly affected unrelated individuals (PMID: 14985266 , 23065789 , 25681447 , 26626314). Therefore, this variant is classified as Pathogenic according to the recommendation of ACMG/AMP guideline.